The following is an entry in ClinVar:

NM_000535.7(PMS2):c.505C>G (p.Arg169Gly)

Gene: PMS2 (PMS1 homolog 2, mismatch repair system component; minus strand). Cytogenetic location: 7p22.1.
Variant type: single nucleotide variant.
Coding change: c.505C>G on transcript NM_000535.7 (MANE Select); coding-DNA position 505, C replaced by G.
Protein change: p.Arg169Gly; replaces arginine 169 with glycine.
Molecular consequence: missense variant. On other transcripts: 5 prime UTR variant (2), non-coding transcript variant (1).
Genome position (GRCh38, 1-based): chr7:6,002,485, G>C on the plus strand (C>G on the coding strand, the complement: PMS2 is on the minus strand). VCF-style: chr7-6002485-G-C. GRCh37 (hg19) VCF-style: chr7-6042116-G-C.
Other names: c.100C>G, p.Arg34Gly (NM_001018040.1, NM_001322003.2, NM_001322004.2 and 25 more transcripts); c.505C>G, p.Arg169Gly (NM_001322006.2, NM_001322014.2, NM_001406869.1 and 8 more transcripts); c.187C>G, p.Arg63Gly (NM_001322007.2, NM_001322008.2, NM_001406876.1 and 4 more transcripts); c.-380C>G (NM_001322011.2, NM_001322012.2); c.196C>G, p.Arg66Gly (NM_001322015.2, NM_001406875.1, NM_001406877.1 and 6 more transcripts); c.691C>G, p.Arg231Gly (NM_001406866.1); c.529C>G, p.Arg177Gly (NM_001406868.1); short protein forms R177G, R231G, R169G, R63G, R34G, R66G.
Identifiers: ClinVar variation 1745085 (VCV001745085.2), dbSNP rs730881916, ClinGen allele CA366744220.

ClinVar aggregate classification (germline): Likely pathogenic (1 of 4 stars; one submission).

Conditions:
Hereditary cancer-predisposing syndrome. Also called: Hereditary Cancer Syndrome; Neoplastic Syndromes, Hereditary; Tumor predisposition; Hereditary neoplastic syndrome. Identifiers: Orphanet 140162, MedGen C0027672, MeSH D009386, MONDO:0015356.

Submission:

Ambry Genetics
Classification: Likely pathogenic for Hereditary cancer-predisposing syndrome. Last evaluated: 2023-10-06. Review status: criteria provided, single submitter. Criteria: Ambry Variant Classification Scheme 2023. Collection method: clinical testing. Allele origin: germline.
Comment: The p.R169G variant (also known as c.505C>G), located in coding exon 5 of the PMS2 gene, results from a C to G substitution at nucleotide position 505. The arginine at codon 169 is replaced by glycine, an amino acid with dissimilar properties. This variant has been confirmed in trans with a PMS2 pathogenic variant in an individual diagnosed with constitutional mismatch repair deficiency syndrome (Mork ME et al. Fam Cancer, 2016 10;15:587-91). Based on internal structural analysis, R169G disrupts a conserved arginine mediating a tripartite intramolecular interaction, but there are no internally pathogenic variants nearby for comparison (D'Arcy BM et al. Mol Genet Genomic Med, 2022 Feb;10:e1908; Guarn&eacute; A et al. EMBO J, 2001 Oct;20:5521-31). This amino acid position is highly conserved in available vertebrate species. In addition, this alteration is predicted to be deleterious by in silico analysis. This variant is considered to be rare based on population cohorts in the Genome Aggregation Database (gnomAD). Based on the majority of available evidence to date, this variant is likely to be pathogenic.

Literature cited by the submitters: PubMed 11574484; PubMed 27017610; PubMed 35189042.